The following is an entry in ClinVar:

NM_006846.4(SPINK5):c.1764T>G (p.Ile588Met)

Gene: SPINK5 (serine peptidase inhibitor Kazal type 5; plus strand). Cytogenetic location: 5q32.
Variant type: single nucleotide variant.
Coding change: c.1764T>G on transcript NM_006846.4 (MANE Select); coding-DNA position 1764, T replaced by G.
Protein change: p.Ile588Met; replaces isoleucine 588 with methionine.
Molecular consequence: missense variant.
Genome position (GRCh38, 1-based): chr5:148,111,839, T>G. VCF-style: chr5-148111839-T-G. GRCh37 (hg19) VCF-style: chr5-147491402-T-G.
Other names: c.1764T>G, p.Ile588Met (NM_001127698.2, NM_001127699.2); short protein forms I588M.
Identifiers: ClinVar variation 351527 (VCV000351527.18), dbSNP rs35877540, ClinGen allele CA3495725.

ClinVar aggregate classification (germline): Benign. Review status: criteria provided, multiple submitters, no conflicts (2 of 4 stars). 6 submissions from 6 submitters: Benign (4). 2 of the submissions do not count toward it. Last evaluated 2026-02-02.

Conditions:
Ichthyosis linearis circumflexa. Identifiers: MedGen C0265962, MONDO:0043106, HP:0025810.
Netherton syndrome (NETH). Also called: NETHERTON DISEASE; ERYTHRODERMA, ICHTHYOSIFORM, WITH HYPOTRICHOSIS AND HYPER-IgE; COMEL-NETHERTON SYNDROME. Identifiers: Orphanet 634, MedGen C5574950, MONDO:0009735, OMIM 256500.

Allele frequency attached by ClinVar (database versions not stated): gnomAD exomes 0.00224; ExAC 0.00278; ESP Exome Variant Server 0.00907; gnomAD 0.00956 and 0.01015; TOPMed 0.00990; 1000 Genomes Project 0.01058; 1000 Genomes Project 30x 0.01249.
gnomAD v4.1: 2,793 of 1,614,024 alleles (0.17%); highest among the groups gnomAD compares: African/African-American, 3.3%; 50 homozygotes.

Submissions (6):

Labcorp Genetics (formerly Invitae), Labcorp
Classification: Benign for Ichthyosis linearis circumflexa. Last evaluated: 2026-02-02. Review status: criteria provided, single submitter. Criteria: Invitae Variant Classification Sherloc (09022015). Collection method: clinical testing. Allele origin: germline.

Women's Health and Genetics/Laboratory Corporation of America, LabCorp
Classification: Benign. Last evaluated: 2026-01-29. Review status: criteria provided, single submitter. Criteria: LabCorp Variant Classification Summary - May 2015. Collection method: clinical testing. Allele origin: germline.
Comment: Variant summary: SPINK5 c.1764T>G (p.Ile588Met) results in a conservative amino acid change in the encoded protein sequence. Algorithms developed to predict the effect of missense changes on protein structure and function all suggest that this variant is likely to be tolerated. The variant allele was found at a frequency of 0.0022 in 249494 control chromosomes, predominantly at a frequency of 0.032 within the African or African-American subpopulation in the gnomAD database, including 9 homozygotes. The observed variant frequency within African or African-American control individuals in the gnomAD database exceeds the estimated maximal expected allele frequency for disease-causing variants in SPINK5. To our knowledge, no occurrence of c.1764T>G in individuals affected with SPINK5-related conditions and no experimental evidence demonstrating its impact on protein function have been reported. ClinVar contains an entry for this variant (Variation ID: 351527). Based on the evidence outlined above, the variant was classified as benign.

Illumina Laboratory Services, Illumina
Classification: Benign for Netherton syndrome. Last evaluated: 2018-01-13. Review status: criteria provided, single submitter. Criteria: ICSL Variant Classification Criteria 13 December 2019. Collection method: clinical testing. Allele origin: germline.
Comment: This variant was observed in the ICSL laboratory as part of a predisposition screen in an ostensibly healthy population. It had not been previously curated by ICSL or reported in the Human Gene Mutation Database (HGMD: prior to June 1st, 2018), and was therefore a candidate for classification through an automated scoring system. Utilizing variant allele frequency, disease prevalence and penetrance estimates, and inheritance mode, an automated score was calculated to assess if this variant is too frequent to cause the disease. Based on the score and internal cut-off values, a variant classified as benign is not then subjected to further curation. The score for this variant resulted in a classification of benign for this disease.

GeneDx
Classification: Benign. Last evaluated: 2015-12-29. Review status: criteria provided, single submitter. Criteria: GeneDx Variant Classification (06012015). Collection method: clinical testing. Allele origin: germline. Affected: yes.
Comment: This variant is considered likely benign or benign based on one or more of the following criteria: it is a conservative change, it occurs at a poorly conserved position in the protein, it is predicted to be benign by multiple in silico algorithms, and/or has population frequency not consistent with disease.

Genome Diagnostics Laboratory, University Medical Center Utrecht
Classification: Benign. Review status: no assertion criteria provided. Collection method: clinical testing. Allele origin: germline. Affected: yes. Study: VKGL Data-share Consensus. Not counted in ClinVar's aggregate classification.

Laboratory of Diagnostic Genome Analysis, Leiden University Medical Center (LUMC)
Classification: Likely benign. Review status: no assertion criteria provided. Collection method: clinical testing. Allele origin: germline. Affected: yes. Study: VKGL Data-share Consensus. Not counted in ClinVar's aggregate classification.